The following is an entry in ClinVar:

NM_057088.3(KRT3):c.130_131delinsAC (p.Gly44Thr)

Gene: KRT3 (keratin 3; minus strand). Cytogenetic location: 12q13.13.
Variant type: Indel.
Coding change: c.130_131delinsAC on transcript NM_057088.3 (MANE Select); coding-DNA positions 130 to 131, GG replaced by AC.
Protein change: p.Gly44Thr; replaces glycine 44 with threonine.
Molecular consequence: missense variant.
Genome position (GRCh38, 1-based): chr12:52,795,912-52,795,913, CC replaced by GT on the plus strand (GG replaced by AC on the coding strand, the reverse complement: KRT3 is on the minus strand). VCF-style: chr12-52795912-CC-GT. GRCh37 (hg19) VCF-style: chr12-53189696-CC-GT.
Other names: short protein forms G44T.
Identifiers: ClinVar variation 998092 (VCV000998092.4), dbSNP rs1939636114, ClinGen allele CA2036681093.
Genomic context (GRCh38, chr12:52,795,912, plus strand): 5'-TTGTTGCCGCCCAGGTTGTAGAGGCTGCGACTGCCAAAGCCACCTGCTCCGCTCCGGAAG[CC>GT]ATAGGCCCCTCCGCCAGCTCCCCCAGAGTGGGCCACACAGCTCATCCTGCTGCTGCCGGA-3'
Protein context (NP_476429.2, residues 34-54): HSGGAGGGAY[Gly44Thr]FRSGAGGFGS

ClinVar aggregate classification (germline): Uncertain significance (0 of 4 stars; one submission).

Conditions:
Congenital hereditary endothelial dystrophy of cornea. Also called: Congenital hereditary endothelial dystrophy of the cornea; Maumenee corneal dystrophy; CORNEAL DYSTROPHY, CONGENITAL HEREDITARY ENDOTHELIAL; Congenital hereditary endothelial dystrophy type II; Corneal endothelial dystrophy, autosomal recessive. Identifiers: Orphanet 293603, MedGen C1857569, MONDO:0009019, OMIM 217700.

Submission:

Center for Human Genetics and Genomic Medicine, Uniklinik Rwth Aachen
Classification: Uncertain significance for Congenital hereditary endothelial dystrophy of cornea. Last evaluated: 2021-01-20. Review status: no assertion criteria provided. Collection method: clinical testing. Allele origin: maternal. Inheritance: Autosomal dominant inheritance. Affected: yes. Observed: 1 variant allele, 1 heterozygote.